The following is an entry in ClinVar:

NM_000548.5(TSC2):c.3001G>A (p.Gly1001Arg)

Gene: TSC2 (TSC complex subunit 2; plus strand). Cytogenetic location: 16p13.3.
Variant type: single nucleotide variant.
Coding change: c.3001G>A on transcript NM_000548.5 (MANE Select); coding-DNA position 3001, G replaced by A.
Protein change: p.Gly1001Arg; replaces glycine 1001 with arginine.
Molecular consequence: missense variant. On other transcripts: non-coding transcript variant (5).
Genome position (GRCh38, 1-based): chr16:2,079,066, G>A. VCF-style: chr16-2079066-G-A. GRCh37 (hg19) VCF-style: chr16-2129067-G-A.
Other names: c.2851G>A, p.Gly951Arg (NM_001406676.1); c.2812G>A, p.Gly938Arg (NM_001406677.1); c.2758G>A, p.Gly920Arg (NM_001406678.1); c.2722G>A, p.Gly908Arg (NM_001406679.1); c.2401G>A, p.Gly801Arg (NM_001406680.1, NM_001406682.1, NM_001406683.1); c.2410G>A, p.Gly804Arg (NM_001406681.1); c.2398G>A, p.Gly800Arg (NM_001406684.1); c.2869G>A, p.Gly957Arg (NM_001077183.3, NM_001370404.1, NM_001406665.1); and 18 more; short protein forms G1000R, G1001R, G423R, G509R, G510R, G553R, G757R, G758R.
Identifiers: ClinVar variation 3364713 (VCV003364713.2).

ClinVar aggregate classification (germline): Uncertain significance. Review status: criteria provided, multiple submitters, no conflicts (2 of 4 stars). 2 submissions from 2 submitters: Uncertain significance (2). Last evaluated 2025-06-25.

Conditions:
Tuberous sclerosis syndrome (TSC). Also called: Tuberous Sclerosis Complex; Tuberous sclerosis. Identifiers: Orphanet 805, MedGen C0041341, MONDO:0001734.

gnomAD v4.1: 1 of 1,612,920 alleles (0.000062%); highest among the groups gnomAD compares: Non-Finnish European, 0.000085%; no homozygotes.

Submissions (2):

Color Diagnostics, LLC DBA Color Health
Classification: Uncertain significance for Tuberous sclerosis syndrome. Last evaluated: 2025-06-25. Review status: criteria provided, single submitter. Criteria: ACMG Guidelines, 2015. Collection method: clinical testing. Allele origin: germline.
Comment: This missense variant replaces glycine with arginine at codon 1001 of the TSC2 protein. Computational prediction is inconclusive regarding the impact of this variant on protein structure and function. To our knowledge, functional studies have not been reported for this variant. This variant has not been reported in individuals affected with TSC2-related disorders in the literature. This variant has been identified in 1/250424 chromosomes in the general population by the Genome Aggregation Database (gnomAD). The available evidence is insufficient to determine the role of this variant in disease conclusively. Therefore, this variant is classified as a Variant of Uncertain Significance.

GeneDx
Classification: Uncertain significance. Last evaluated: 2023-11-21. Review status: criteria provided, single submitter. Criteria: GeneDx Variant Classification Process June 2021. Collection method: clinical testing. Allele origin: germline. Affected: yes.
Comment: In silico analysis supports that this missense variant has a deleterious effect on protein structure/function; Has not been previously published as pathogenic or benign to our knowledge